The following is an entry in ClinVar:

NM_198947.4(FAM111B):c.2140G>A (p.Asp714Asn)

Gene: FAM111B (FAM111 trypsin like peptidase B; plus strand). Cytogenetic location: 11q12.1.
Variant type: single nucleotide variant.
Coding change: c.2140G>A on transcript NM_198947.4 (MANE Select); coding-DNA position 2140, G replaced by A.
Protein change: p.Asp714Asn; replaces aspartic acid 714 with asparagine.
Molecular consequence: missense variant.
Genome position (GRCh38, 1-based): chr11:59,126,237, G>A. VCF-style: chr11-59126237-G-A. GRCh37 (hg19) VCF-style: chr11-58893710-G-A.
Other names: c.2050G>A, p.Asp684Asn (NM_001142703.2, NM_001142704.2); short protein forms D684N, D714N.
Identifiers: ClinVar variation 1050434 (VCV001050434.1), dbSNP rs753918637, ClinGen allele CA6016441.

ClinVar aggregate classification (germline): Benign (0 of 4 stars; one submission).

Allele frequency attached by ClinVar (database versions not stated): gnomAD exomes 0.00004 and 0.00026; gnomAD 0.00009; TOPMed 0.00012; ExAC 0.00024.
gnomAD v4.1: 80 of 1,597,506 alleles (0.005%); highest among the groups gnomAD compares: East Asian, 0.12%; no homozygotes.

Submission:

Department of Pathology and Laboratory Medicine, Sinai Health System
Classification: Benign. Review status: no assertion criteria provided. Collection method: clinical testing. Allele origin: unknown. Affected: yes. Study: The Canadian Open Genetics Repository (COGR).
Comment: The FAM111B p.Asp684Asn variant was not identified in the literature nor was it identified in ClinVar, Cosmic or LOVD 3.0. The variant was identified in dbSNP (ID: rs753918637) and in control databases in 72 of 263366 chromosomes at a frequency of 0.000273 (Genome Aggregation Database Feb 27, 2017). The variant was observed in the following populations: East Asian in 60 of 18792 chromosomes (freq: 0.003193), Latino in 10 of 31588 chromosomes (freq: 0.000317), Other in 1 of 6602 chromosomes (freq: 0.000152) and South Asian in 1 of 26304 chromosomes (freq: 0.000038), but not in the African, Ashkenazi Jewish, European (Finnish), and European (non-Finnish) populations. The variant occurs outside the splicing consensus and in silico or computational prediction software programs (SpliceSiteFinder, MaxEntScan, NNSPLICE, GeneSplicer) do not predict a difference in splicing. The p.Asp684 residue is not conserved in mammals and computational analyses (PolyPhen-2, SIFT, AlignGVGD, BLOSUM, Mutation. Taster) do not suggest a high likelihood of impact to the protein. In summary, based on the above information this variant meets our laboratory's criteria to be classified as benign.